The following is an entry in ClinVar:

NM_006904.7(PRKDC):c.2951A>G (p.Tyr984Cys)

Gene: PRKDC (protein kinase, DNA-activated, catalytic subunit; minus strand). Cytogenetic location: 8q11.21.
Variant type: single nucleotide variant.
Coding change: c.2951A>G on transcript NM_006904.7 (MANE Select); coding-DNA position 2951, A replaced by G.
Protein change: p.Tyr984Cys; replaces tyrosine 984 with cysteine.
Molecular consequence: missense variant.
Genome position (GRCh38, 1-based): chr8:47,904,960, T>C on the plus strand (A>G on the coding strand, the complement: PRKDC is on the minus strand). VCF-style: chr8-47904960-T-C. GRCh37 (hg19) VCF-style: chr8-48817520-T-C.
Other names: c.2951A>G, p.Tyr984Cys (NM_001081640.2); short protein forms Y984C.
Identifiers: ClinVar variation 1798059 (VCV001798059.2), dbSNP rs1426954599, ClinGen allele CA371157607.

ClinVar aggregate classification (germline): Uncertain significance (1 of 4 stars; one submission).

Allele frequency attached by ClinVar (database versions not stated): gnomAD exomes below 0.00001.
gnomAD v4.1: 1 of 1,612,800 alleles (0.000062%); highest among the groups gnomAD compares: South Asian, 0.0011%; no homozygotes.

Submission:

Ambry Genetics
Classification: Uncertain significance. Last evaluated: 2021-07-20. Review status: criteria provided, single submitter. Criteria: Ambry Variant Classification Scheme 2023. Collection method: clinical testing. Allele origin: germline.
Comment: The p.Y984C variant (also known as c.2951A>G), located in coding exon 26 of the PRKDC gene, results from an A to G substitution at nucleotide position 2951. The tyrosine at codon 984 is replaced by cysteine, an amino acid with highly dissimilar properties. This amino acid position is conserved. In addition, the in silico prediction for this alteration is inconclusive. Since supporting evidence is limited at this time, the clinical significance of this alteration remains unclear.